The following is an entry in ClinVar:

ClinVar aggregate classification (germline): Uncertain significance (1 of 4 stars; one submission).

gnomAD v4.1: 1 of 1,613,844 alleles (0.000062%); highest among the groups gnomAD compares: Non-Finnish European, 0.000085%; no homozygotes.

Submission:

GeneDx
Classification: Uncertain significance. Last evaluated: 2023-01-18. Review status: criteria provided, single submitter. Criteria: GeneDx Variant Classification Process June 2021. Collection method: clinical testing. Allele origin: germline. Affected: yes.
Comment: Not observed at significant frequency in large population cohorts (gnomAD); In silico analysis supports that this missense variant does not alter protein structure/function; Has not been previously published as pathogenic or benign to our knowledge

NM_015570.4(AUTS2):c.2143G>T (p.Ala715Ser)

Gene: AUTS2 (activator of transcription and developmental regulator AUTS2; plus strand). Cytogenetic location: 7q11.22.
Variant type: single nucleotide variant.
Coding change: c.2143G>T on transcript NM_015570.4 (MANE Select); coding-DNA position 2143, G replaced by T.
Protein change: p.Ala715Ser; replaces alanine 715 with serine.
Molecular consequence: missense variant.
Genome position (GRCh38, 1-based): chr7:70,781,753, G>T. VCF-style: chr7-70781753-G-T. GRCh37 (hg19) VCF-style: chr7-70246739-G-T.
Other names: c.2071G>T, p.Ala691Ser (NM_001127231.3); short protein forms A691S, A715S.
Identifiers: ClinVar variation 2573721 (VCV002573721.1), dbSNP rs747709136, ClinGen allele CA367663287.
Genomic context (GRCh38, chr7:70,781,753, plus strand): 5'-CTTTTTGGAGCCATCCACCACCCCCATGACCTGGCACGGCCTTCAACTTTGTTCTCTGCC[G>T]CTGGTGAGTGTGGGTTTGGGTGGGGGGACAGAGCTGAGAAATGTAGTTCTCAGGTAACTA-3'
Protein context (NP_056385.1, residues 705-725): LARPSTLFSA[Ala715Ser]GAAHPTGTPF